The following is an entry in ClinVar:

NM_000478.6(ALPL):c.1247G>A (p.Gly416Asp)

Gene: ALPL (alkaline phosphatase, biomineralization associated; plus strand). Cytogenetic location: 1p36.12.
Variant type: single nucleotide variant.
Coding change: c.1247G>A on transcript NM_000478.6 (MANE Select); coding-DNA position 1247, G replaced by A.
Protein change: p.Gly416Asp; replaces glycine 416 with aspartic acid.
Molecular consequence: missense variant.
Genome position (GRCh38, 1-based): chr1:21,576,579, G>A. VCF-style: chr1-21576579-G-A. GRCh37 (hg19) VCF-style: chr1-21903072-G-A.
Other names: c.1082G>A, p.Gly361Asp (NM_001127501.4); c.1016G>A, p.Gly339Asp (NM_001177520.3); c.1247G>A, p.Gly416Asp (NM_001369803.2, NM_001369804.2, NM_001369805.2); short protein forms G339D, G361D, G416D.
Identifiers: ClinVar variation 1490545 (VCV001490545.8), dbSNP rs2148192467, ClinGen allele CA338881776.

ClinVar aggregate classification (germline): Conflicting classifications of pathogenicity. Review status: criteria provided, conflicting classifications (1 of 4 stars). 4 submissions from 4 submitters: Likely pathogenic (2); Uncertain significance (2). Last evaluated 2026-09-01.

Conditions:
Hypophosphatasia. Also called: Phosphoethanol-aminuria. Identifiers: Orphanet 436, MedGen C0020630, MeSH D007014, MONDO:0018570.

Submissions (4):

Genomenon, Inc
Classification: Likely pathogenic for Hypophosphatasia. Last evaluated: 2026-09-01. Review status: criteria provided, single submitter. Criteria: Genomenon Sequence Variant Interpretation Standards - Updated. Collection method: curation. Allele origin: germline. Affected: no.
Comment: ALPL p.Gly416Asp (c.1247G>A) is a missense variant that changes the amino acid at codon 416 from Glycine to Aspartic acid. To our knowledge, this variant has not been reported in patients affected with an ALPL-related disorder in the published literature. At least one functional study has demonstrated a substantial alteration in protein function relative to the wild-type (PMID:40386289). It is absent or not present at a significant frequency in gnomAD. In silico models predict that this variant is possibly or probably damaging. In conclusion, we classify ALPL p.Gly416Asp (c.1247G>A) as a likely pathogenic variant.

JKU Lab, Dept of Paediatrics, Johannes Kepler University
Classification: Likely pathogenic for Hypophosphatasia. Last evaluated: 2022-09-21. Review status: criteria provided, single submitter. Criteria: ACMG Guidelines, 2015. Collection method: clinical testing. Allele origin: germline. Affected: yes. Observed: 1 heterozygote.
Comment: Absent in GnomAD. Functional testing at the JKU lab showed reduced ALP residual activity. The functional test results and ACMG criteria applied can be looked up in the ALPL gene variant database.

GeneDx
Classification: Uncertain significance. Last evaluated: 2022-05-17. Review status: criteria provided, single submitter. Criteria: GeneDx Variant Classification Process June 2021. Collection method: clinical testing. Allele origin: germline. Affected: yes.
Comment: Not observed at significant frequency in large population cohorts (gnomAD); In silico analysis supports that this missense variant has a deleterious effect on protein structure/function; Has not been previously published as pathogenic or benign to our knowledge

Labcorp Genetics (formerly Invitae), Labcorp
Classification: Uncertain significance. Last evaluated: 2021-12-24. Review status: criteria provided, single submitter. Criteria: Invitae Variant Classification Sherloc (09022015). Collection method: clinical testing. Allele origin: germline.
Comment: This sequence change replaces glycine, which is neutral and non-polar, with aspartic acid, which is acidic and polar, at codon 416 of the ALPL protein (p.Gly416Asp). This variant is not present in population databases (gnomAD no frequency). This variant has not been reported in the literature in individuals affected with ALPL-related conditions. Advanced modeling of protein sequence and biophysical properties (such as structural, functional, and spatial information, amino acid conservation, physicochemical variation, residue mobility, and thermodynamic stability) performed at Invitae indicates that this missense variant is expected to disrupt ALPL protein function. In summary, the available evidence is currently insufficient to determine the role of this variant in disease. Therefore, it has been classified as a Variant of Uncertain Significance.

Literature cited by the submitters: PubMed 40386289 (cited by Genomenon, Inc).